The following is an entry in ClinVar:

ClinVar aggregate classification (germline): Uncertain significance. Review status: criteria provided, multiple submitters, no conflicts (2 of 4 stars). 2 submissions from 2 submitters: Uncertain significance (2). Last evaluated 2024-10-31.

Conditions:
TRRAP-related disorder. Also called: TRRAP-related condition.

Allele frequency attached by ClinVar (database versions not stated): gnomAD 0.00001; gnomAD exomes 0.00001.
gnomAD v4.1: 21 of 1,613,858 alleles (0.0013%); highest among the groups gnomAD compares: Non-Finnish European, 0.0018%; no homozygotes.

Submissions (2):

Labcorp Genetics (formerly Invitae), Labcorp
Classification: Uncertain significance. Last evaluated: 2024-10-31. Review status: criteria provided, single submitter. Criteria: Invitae Variant Classification Sherloc (09022015). Collection method: clinical testing. Allele origin: germline.
Comment: This sequence change replaces threonine, which is neutral and polar, with serine, which is neutral and polar, at codon 2114 of the TRRAP protein (p.Thr2114Ser). This variant is present in population databases (no rsID available, gnomAD 0.0009%). This variant has not been reported in the literature in individuals affected with TRRAP-related conditions. ClinVar contains an entry for this variant (Variation ID: 2636761). Invitae Evidence Modeling of protein sequence and biophysical properties (such as structural, functional, and spatial information, amino acid conservation, physicochemical variation, residue mobility, and thermodynamic stability) indicates that this missense variant is not expected to disrupt TRRAP protein function with a negative predictive value of 80%. In summary, the available evidence is currently insufficient to determine the role of this variant in disease. Therefore, it has been classified as a Variant of Uncertain Significance.

PreventionGenetics, part of Exact Sciences
Classification: Uncertain significance for TRRAP-related condition. Last evaluated: 2022-12-01. Review status: criteria provided, single submitter. Criteria: ACMG Guidelines, 2015. Collection method: clinical testing. Allele origin: germline.
Comment: The TRRAP c.6340A>T variant is predicted to result in the amino acid substitution p.Thr2114Ser. To our knowledge, this variant has not been reported in the literature or in a large population database, indicating this variant is rare. At this time, the clinical significance of this variant is uncertain due to the absence of conclusive functional and genetic evidence.

NM_001375524.1(TRRAP):c.6415A>T (p.Thr2139Ser)

Gene: TRRAP (transformation/transcription domain associated protein; plus strand). Cytogenetic location: 7q22.1.
Variant type: single nucleotide variant.
Coding change: c.6415A>T on transcript NM_001375524.1 (MANE Select); coding-DNA position 6415, A replaced by T.
Protein change: p.Thr2139Ser; replaces threonine 2139 with serine.
Molecular consequence: missense variant.
Genome position (GRCh38, 1-based): chr7:98,959,416, A>T. VCF-style: chr7-98959416-A-T. GRCh37 (hg19) VCF-style: chr7-98557039-A-T.
Other names: c.6394A>T, p.Thr2132Ser (NM_001244580.2); c.6340A>T, p.Thr2114Ser (NM_003496.4); short protein forms T2114S, T2132S, T2139S.
Identifiers: ClinVar variation 2636761 (VCV002636761.3), dbSNP rs1324324166, ClinGen allele CA368282506.